The following is an entry in ClinVar:

ClinVar aggregate classification (germline): Pathogenic/Likely pathogenic. Review status: criteria provided, multiple submitters, no conflicts (2 of 4 stars). 3 submissions from 3 submitters: Pathogenic (2); Likely pathogenic (1). Last evaluated 2025-03-26.

Conditions:
Infantile liver failure. Also called: Infantile liver failure syndrome; Fever-associated acute infantile liver failure syndrome. Identifiers: Orphanet 464724, MedGen C5681094, MONDO:0000023.

Allele frequency attached by ClinVar (database versions not stated): gnomAD 0.00001; TOPMed 0.00001; ExAC 0.00004.
gnomAD v4.1: 34 of 1,612,588 alleles (0.0021%); highest among the groups gnomAD compares: Admixed American, 0.018%; no homozygotes.

Submissions (3):

Labcorp Genetics (formerly Invitae), Labcorp
Classification: Pathogenic. Last evaluated: 2025-03-26. Review status: criteria provided, single submitter. Criteria: Invitae Variant Classification Sherloc (09022015). Collection method: clinical testing. Allele origin: germline.
Comment: This sequence change creates a premature translational stop signal (p.Gln663*) in the NBAS gene. It is expected to result in an absent or disrupted protein product. Loss-of-function variants in NBAS are known to be pathogenic (PMID: 26073778, 26541327, 27789416, 28031453). This variant is present in population databases (rs761330483, gnomAD 0.03%). This variant has not been reported in the literature in individuals affected with NBAS-related conditions. ClinVar contains an entry for this variant (Variation ID: 517623). Algorithms developed to predict the effect of sequence changes on RNA splicing suggest that this variant may disrupt the consensus splice site. For these reasons, this variant has been classified as Pathogenic.

Revvity Omics, Revvity
Classification: Pathogenic. Last evaluated: 2019-10-10. Review status: criteria provided, single submitter. Criteria: ACMG Guidelines, 2015. Collection method: clinical testing. Allele origin: germline.

Laboratory for Molecular Medicine, Mass General Brigham Personalized Medicine
Classification: Likely pathogenic for Infantile liver failure. Last evaluated: 2017-09-29. Review status: criteria provided, single submitter. Criteria: LMM Criteria. Collection method: clinical testing. Allele origin: germline. Inheritance: Autosomal recessive inheritance. Observed: 1 variant allele.
Comment: The p.Gln663X variant in NBAS has not been previously reported in individuals wi th infantile liver failure syndrome. This variant has been identified in 0.027% (9/33434) of Latino chromosomes by the Genome Aggregation Database (gnomAD; dbSNP rs761330483). Although this variant has been seen in the general population, its frequency is low enough to be consistent wi th a recessive carrier frequency. This nonsense variant leads to a premature ter mination codon at position 663, which is predicted to lead to a truncated or abs ent protein. Biallelic loss of function of the NBAS gene is assocaited with infa ntile liver failure syndrome. In summary, although additional studies are requir ed to fully establish its clinical significance, the p.Gln663X variant is likely pathogenic for infantile liver failure syndrome in an autosomal recessive manne r based on the predicted impact on the protein. ACMG/AMP Criteria applied: PVS1; PM2 (Richards 2015).

Literature cited by the submitters: PubMed 26073778 (cited by Labcorp Genetics (formerly Invitae), Labcorp); PubMed 26541327 (cited by Labcorp Genetics (formerly Invitae), Labcorp); PubMed 27789416 (cited by Labcorp Genetics (formerly Invitae), Labcorp); PubMed 28031453 (cited by Labcorp Genetics (formerly Invitae), Labcorp).

NM_015909.4(NBAS):c.1987C>T (p.Gln663Ter)

Gene: NBAS (NBAS subunit of NRZ tethering complex; minus strand). Cytogenetic location: 2p24.3.
Variant type: single nucleotide variant.
Coding change: c.1987C>T on transcript NM_015909.4 (MANE Select); coding-DNA position 1987, C replaced by T.
Protein change: p.Gln663Ter; replaces glutamine 663 with a stop codon.
Molecular consequence: nonsense. On other transcripts: non-coding transcript variant (1).
Genome position (GRCh38, 1-based): chr2:15,467,695, G>A on the plus strand (C>T on the coding strand, the complement: NBAS is on the minus strand). VCF-style: chr2-15467695-G-A. GRCh37 (hg19) VCF-style: chr2-15607819-G-A.
Other names: short protein forms Q663*.
Identifiers: ClinVar variation 517623 (VCV000517623.14), dbSNP rs761330483, ClinGen allele CA1536501.